The following is an entry in ClinVar:

ClinVar aggregate classification (germline): Benign/Likely benign. Review status: criteria provided, multiple submitters, no conflicts (2 of 4 stars). 14 submissions from 14 submitters: Benign (10); Likely benign (4). Last evaluated 2026-02-03.

Conditions:
APC-Associated Polyposis Disorders.
Hereditary cancer-predisposing syndrome. Also called: Tumor predisposition; Neoplastic Syndromes, Hereditary; Hereditary Cancer Syndrome; Hereditary neoplastic syndrome. Identifiers: Orphanet 140162, MedGen C0027672, MeSH D009386, MONDO:0015356.
Familial adenomatous polyposis 1 (FAP1). Also called: POLYPOSIS, ADENOMATOUS INTESTINAL; FAMILIAL ADENOMATOUS POLYPOSIS 1, ATTENUATED. Identifiers: MedGen C2713442, MONDO:0021056, OMIM 175100. Disease mechanism: loss of function.

Allele frequency attached by ClinVar (database versions not stated): 1000 Genomes Project 30x 0.00047; ESP Exome Variant Server 0.00054; 1000 Genomes Project 0.00060; gnomAD 0.00092; TOPMed 0.00092.
gnomAD v4.1: 269 of 1,613,768 alleles (0.017%); highest among the groups gnomAD compares: African/African-American, 0.29%; no homozygotes.

Submissions (14):

Labcorp Genetics (formerly Invitae), Labcorp
Classification: Benign for Familial adenomatous polyposis 1. Last evaluated: 2026-02-03. Review status: criteria provided, single submitter. Criteria: Invitae Variant Classification Sherloc (09022015). Collection method: clinical testing. Allele origin: germline.

Myriad Genetics, Inc.
Classification: Benign for Familial adenomatous polyposis 1. Last evaluated: 2024-04-12. Review status: criteria provided, single submitter. Criteria: Myriad Autosomal Dominant, Autosomal Recessive and X-Linked Classification Criteria (2023). Collection method: clinical testing. Allele origin: unknown.
Comment: This variant is considered benign. This variant is a silent/synonymous amino acid change and it is not expected to impact splicing.

Blueprint Genetics
Classification: Likely benign. Last evaluated: 2023-12-05. Review status: criteria provided, single submitter. Criteria: ACMG Guidelines, 2015. Collection method: clinical testing. Allele origin: germline.

KCCC/NGS Laboratory, Kuwait Cancer Control Center
Classification: Benign for Familial adenomatous polyposis 1. Last evaluated: 2023-07-07. Review status: criteria provided, single submitter. Criteria: ACMG Guidelines, 2015. Collection method: clinical testing. Allele origin: germline. Affected: yes.

Quest Diagnostics Nichols Institute San Juan Capistrano
Classification: Benign. Last evaluated: 2023-05-17. Review status: criteria provided, single submitter. Criteria: Quest Diagnostics criteria. Collection method: clinical testing. Allele origin: unknown.

ARUP Laboratories, Molecular Genetics and Genomics, ARUP Laboratories
Classification: Benign. Last evaluated: 2022-11-28. Review status: criteria provided, single submitter. Criteria: ARUP Molecular Germline Variant Investigation Process 2021. Collection method: clinical testing. Allele origin: germline.

CeGaT Center for Human Genetics Tuebingen
Classification: Likely benign. Last evaluated: 2022-11-01. Review status: criteria provided, single submitter. Criteria: CeGaT Center For Human Genetics Tuebingen Variant Classification Criteria Version 2. Collection method: clinical testing. Allele origin: germline. Affected: yes. Observed: 1 variant allele.
Comment: APC: BP4, BP7, BS1

Sema4
Classification: Benign for Hereditary cancer-predisposing syndrome. Last evaluated: 2020-10-30. Review status: criteria provided, single submitter. Criteria: Sema4 Curation Guidelines. Collection method: curation. Allele origin: germline.

Illumina Laboratory Services, Illumina
Classification: Benign for APC-Associated Polyposis Disorders. Last evaluated: 2018-01-13. Review status: criteria provided, single submitter. Criteria: ICSL Variant Classification Criteria 13 December 2019. Collection method: clinical testing. Allele origin: germline.
Comment: This variant was observed in the ICSL laboratory as part of a predisposition screen in an ostensibly healthy population. It had not been previously curated by ICSL or reported in the Human Gene Mutation Database (HGMD: prior to June 1st, 2018), and was therefore a candidate for classification through an automated scoring system. Utilizing variant allele frequency, disease prevalence and penetrance estimates, and inheritance mode, an automated score was calculated to assess if this variant is too frequent to cause the disease. Based on the score and internal cut-off values, a variant classified as benign is not then subjected to further curation. The score for this variant resulted in a classification of benign for this disease.

PreventionGenetics, part of Exact Sciences
Classification: Likely benign. Last evaluated: 2017-12-06. Review status: criteria provided, single submitter. Criteria: ACMG Guidelines, 2015. Collection method: clinical testing. Allele origin: germline.

Color Diagnostics, LLC DBA Color Health
Classification: Benign for Hereditary cancer-predisposing syndrome. Last evaluated: 2016-05-26. Review status: criteria provided, single submitter. Criteria: ACMG Guidelines, 2015. Collection method: clinical testing. Allele origin: germline.

Women's Health and Genetics/Laboratory Corporation of America, LabCorp
Classification: Benign. Last evaluated: 2016-03-25. Review status: criteria provided, single submitter. Criteria: LabCorp Variant Classification Summary - May 2015. Collection method: clinical testing. Allele origin: germline.
Comment: Variant Summary: The c.8043G>C variant involves the alteration of a non-conserved nucleotide resulting in a synonymous change. 3/5 in silico tools via Alamut predict no significant effect on splicing. The variant was observed in the large, broad control population, ExAC with, an allele frequency of 0.025%, primarily observed in the African subpopulation at a frequency of 0.27%. This frequency exceeds the maximum expected allele frequency for a pathogenic APC variant of 0.006%, suggesting this is a benign polymorphism found primarily in the African subpopulation. Multiple reputable clinical labs have classified the variant as likely benign/benign. Taken together, due to the synonymous nature of the variant, the relatively high frequency of the variant in the population, and the lack of predicted effect on splicing, this variant has been classified as Benign.

GeneDx
Classification: Benign. Last evaluated: 2015-03-03. Review status: criteria provided, single submitter. Criteria: GeneDx Variant Classification Process June 2021. Collection method: clinical testing. Allele origin: germline. Affected: yes.

Ambry Genetics
Classification: Likely benign for Hereditary cancer-predisposing syndrome. Last evaluated: 2015-01-13. Review status: criteria provided, single submitter. Criteria: Ambry Variant Classification Scheme 2023. Collection method: clinical testing. Allele origin: germline.

NM_000038.6(APC):c.8043G>C (p.Pro2681=)

Gene: APC (APC regulator of Wnt signaling pathway; plus strand). Cytogenetic location: 5q22.2.
Variant type: single nucleotide variant.
Coding change: c.8043G>C on transcript NM_000038.6 (MANE Select); coding-DNA position 8043, G replaced by C.
Protein change: p.Pro2681=; no amino-acid change (proline 2681 retained).
Molecular consequence: synonymous variant.
Genome position (GRCh38, 1-based): chr5:112,843,637, G>C. VCF-style: chr5-112843637-G-C. GRCh37 (hg19) VCF-style: chr5-112179334-G-C.
Other names: c.8043G>C, p.Pro2681= (NM_001127510.3, NM_001354895.2); c.7989G>C, p.Pro2663= (NM_001127511.3); c.8097G>C, p.Pro2699= (NM_001354896.2); c.8073G>C, p.Pro2691= (NM_001354897.2); c.7968G>C, p.Pro2656= (NM_001354898.2); c.7959G>C, p.Pro2653= (NM_001354899.2); c.7920G>C, p.Pro2640= (NM_001354900.2); c.7866G>C, p.Pro2622= (NM_001354901.2); and 5 more.
Identifiers: ClinVar variation 184254 (VCV000184254.57), dbSNP rs149347068, ClinGen allele CA014279.